The following is an entry in ClinVar:

NM_020975.6(RET):c.1995C>G (p.His665Gln)

Gene: RET (ret proto-oncogene; plus strand). Cytogenetic location: 10q11.21.
Variant type: single nucleotide variant.
Coding change: c.1995C>G on transcript NM_020975.6 (MANE Select); coding-DNA position 1995, C replaced by G.
Protein change: p.His665Gln; replaces histidine 665 with glutamine.
Molecular consequence: missense variant.
Genome position (GRCh38, 1-based): chr10:43,114,595, C>G. VCF-style: chr10-43114595-C-G. GRCh37 (hg19) VCF-style: chr10-43610043-C-G.
Other names: c.1995C>G, p.His665Gln (NM_000323.2, NM_001406743.1, NM_001406744.1 and 4 more transcripts); c.1233C>G, p.His411Gln (NM_001355216.2); c.1866C>G, p.His622Gln (NM_001406761.1, NM_001406762.1, NM_001406764.1); c.1707C>G, p.His569Gln (NM_001406766.1, NM_001406767.1, NM_001406770.1); c.1599C>G, p.His533Gln (NM_001406769.1, NM_001406772.1); c.1557C>G, p.His519Gln (NM_001406771.1, NM_001406773.1); c.1470C>G, p.His490Gln (NM_001406774.1); c.1269C>G, p.His423Gln (NM_001406775.1, NM_001406776.1, NM_001406777.1 and 1 more transcripts); and 7 more; short protein forms H411Q, H326Q, H423Q, H533Q, H182Q, H270Q, H323Q, H335Q.
Identifiers: ClinVar variation 2505989 (VCV002505989.1), dbSNP rs377767413, ClinGen allele CA008498.

ClinVar aggregate classification (germline): Uncertain significance (1 of 4 stars; one submission).

Submission:

GeneDx
Classification: Uncertain significance. Last evaluated: 2022-12-14. Review status: criteria provided, single submitter. Criteria: GeneDx Variant Classification Process June 2021. Collection method: clinical testing. Allele origin: germline. Affected: yes.
Comment: Not observed at significant frequency in large population cohorts (gnomAD); In silico analysis supports that this missense variant does not alter protein structure/function; Identified in cis with RET p.(D631Y) in a family with pheochromocytoma (Ahmed et al., 2005); This variant is associated with the following publications: (PMID: 14633923, 15858153)